The following is an entry in ClinVar:

ClinVar aggregate classification (germline): Pathogenic (1 of 4 stars; one submission).

Submission:

Dasa
Classification: Pathogenic. Last evaluated: 2024-05-22. Review status: criteria provided, single submitter. Criteria: DASA Assertion Criteria. Collection method: clinical testing. Allele origin: germline.
Comment: NM_000322.5(PRPH2):c.734dup (p.Trp246Valfs*55) introduces a premature termination codon predicted to result in loss of normal protein function. Loss-of-function is an established mechanism of disease for this gene. This variant has been recurrently observed in individuals with related phenotype (PMID: 34240658; PMID: 38743414). Multiple computational predictions support a deleterious effect on the gene or gene product. Based on the available data, this variant is classified as pathogenic.

Literature cited by the submitters: PubMed 34240658; PubMed 38743414.

NM_000322.5(PRPH2):c.734dup (p.Trp246fs)

Gene: PRPH2 (peripherin 2; minus strand). Cytogenetic location: 6p21.1.
Variant type: Duplication.
Coding change: c.734dup on transcript NM_000322.5 (MANE Select); coding-DNA position 734, one base duplicated (T; older notation c.734dupT).
Protein change: p.Trp246fs; shifts the reading frame from tryptophan 246.
Molecular consequence: frameshift variant.
Genome position (GRCh38, 1-based): chr6:42,704,459, A duplicated on the plus strand (T on the coding strand, the reverse complement: PRPH2 is on the minus strand). VCF-style (leftmost placement, unchanged base first): chr6-42704458-C-CA. GRCh37 (hg19) VCF-style: chr6-42672196-C-CA.
Other names: short protein forms W246fs.
Identifiers: ClinVar variation 4851999 (VCV004851999.1).